The following is an entry in ClinVar:

ClinVar aggregate classification (germline): Uncertain significance (1 of 4 stars; one submission).

Conditions:
Chédiak-Higashi syndrome (CHS). Also called: Chediak-Higashi Syndrome. Identifiers: Orphanet 167, MedGen C0007965, MONDO:0008963, OMIM 214500.

gnomAD v4.1: 2 of 1,614,026 alleles (0.00012%); highest among the groups gnomAD compares: Non-Finnish European, 0.00017%; no homozygotes.

Submission:

Labcorp Genetics (formerly Invitae), Labcorp
Classification: Uncertain significance for Chédiak-Higashi syndrome. Last evaluated: 2022-03-04. Review status: criteria provided, single submitter. Criteria: Invitae Variant Classification Sherloc (09022015). Collection method: clinical testing. Allele origin: germline.
Comment: This sequence change replaces valine, which is neutral and non-polar, with isoleucine, which is neutral and non-polar, at codon 3661 of the LYST protein (p.Val3661Ile). This variant is not present in population databases (gnomAD no frequency). This variant has not been reported in the literature in individuals affected with LYST-related conditions. Algorithms developed to predict the effect of missense changes on protein structure and function are either unavailable or do not agree on the potential impact of this missense change (SIFT: "Tolerated"; PolyPhen-2: "Probably Damaging"; Align-GVGD: "Class C0"). In summary, the available evidence is currently insufficient to determine the role of this variant in disease. Therefore, it has been classified as a Variant of Uncertain Significance.

NM_000081.4(LYST):c.10981G>A (p.Val3661Ile)

Gene: LYST (lysosomal trafficking regulator; minus strand). Cytogenetic location: 1q42.3.
Variant type: single nucleotide variant.
Coding change: c.10981G>A on transcript NM_000081.4 (MANE Select); coding-DNA position 10981, G replaced by A.
Protein change: p.Val3661Ile; replaces valine 3661 with isoleucine.
Molecular consequence: missense variant.
Genome position (GRCh38, 1-based): chr1:235,677,148, C>T on the plus strand (G>A on the coding strand, the complement: LYST is on the minus strand). VCF-style: chr1-235677148-C-T. GRCh37 (hg19) VCF-style: chr1-235840448-C-T.
Other names: c.10981G>A, p.Val3661Ile (NM_001301365.1); short protein forms V3661I.
Identifiers: ClinVar variation 2106360 (VCV002106360.4), dbSNP rs763475971, ClinGen allele CA344921281.